The following is an entry in ClinVar:

ClinVar aggregate classification (germline): Uncertain significance (1 of 4 stars; one submission).

Conditions:
Developmental and epileptic encephalopathy, 21 (DEE21). Also called: Early infantile epileptic encephalopathy 21. Identifiers: Orphanet 442835, MedGen C4014430, MONDO:0014360, OMIM 615833.

Allele frequency attached by ClinVar (database versions not stated): ExAC 0.00001; gnomAD 0.00001 and 0.00002; gnomAD exomes 0.00001 and 0.00002; TOPMed 0.00001; ESP Exome Variant Server 0.00008.
gnomAD v4.1: 16 of 1,613,522 alleles (0.00099%); highest among the groups gnomAD compares: South Asian, 0.0088%; no homozygotes.

Submission:

Institute of Human Genetics, University of Leipzig Medical Center
Classification: Uncertain significance for Developmental and epileptic encephalopathy, 21. Last evaluated: 2026-07-08. Review status: criteria provided, single submitter. Criteria: ACMG Guidelines, 2015. Collection method: clinical testing. Allele origin: inherited. Inheritance: Autosomal recessive inheritance. Affected: yes.
Comment: Criteria applied: PM2_SUP,PM3_SUP,PP3

NM_015509.4(NECAP1):c.88G>A (p.Gly30Ser)

Genes: NECAP1 (NECAP endocytosis associated 1; plus strand), LOC126861440 (MED14-independent group 3 enhancer GRCh37_chr12:8234132-8235331; plus strand). Cytogenetic location: 12p13.31.
Variant type: single nucleotide variant.
Coding change: c.88G>A on transcript NM_015509.4 (MANE Select); coding-DNA position 88, G replaced by A.
Protein change: p.Gly30Ser; replaces glycine 30 with serine.
Molecular consequence: missense variant. On other transcripts: non-coding transcript variant (1).
Genome position (GRCh38, 1-based): chr12:8,082,376, G>A. VCF-style: chr12-8082376-G-A. GRCh37 (hg19) VCF-style: chr12-8234972-G-A.
Other names: short protein forms G30S.
Identifiers: ClinVar variation 975913 (VCV000975913.4), dbSNP rs147832660, ClinGen allele CA6432145.